The following is an entry in ClinVar:

NM_000203.5(IDUA):c.53T>C (p.Leu18Pro)

Genes: IDUA (alpha-L-iduronidase; plus strand), SLC26A1 (solute carrier family 26 member 1; minus strand). Cytogenetic location: 4p16.3.
Variant type: single nucleotide variant.
Coding change: c.53T>C on transcript NM_000203.5 (MANE Select); coding-DNA position 53, T replaced by C.
Protein change: p.Leu18Pro; replaces leucine 18 with proline.
Molecular consequence: missense variant. On other transcripts: non-coding transcript variant (1), intron variant (1).
Genome position (GRCh38, 1-based): chr4:987,137, T>C. VCF-style: chr4-987137-T-C. GRCh37 (hg19) VCF-style: chr4-980925-T-C.
Other names: NM_000203.5(IDUA):c.53T>C; c.53T>C (NM_000203.4); c.576+3991A>G (NM_134425.4); short protein forms L18P.
Identifiers: ClinVar variation 193062 (VCV000193062.24), dbSNP rs794726878, ClinGen allele CA238566.

ClinVar aggregate classification (germline): Likely pathogenic. Review status: reviewed by expert panel (3 of 4 stars). 10 submissions from 10 submitters: Likely pathogenic (1). 9 of the submissions do not count toward it. Last evaluated 2025-05-19.

Conditions:
Mucopolysaccharidosis type 1. Also called: Mucopolysaccharidosis Type I; IDUA deficiency; MPS I. Identifiers: Orphanet 579, MedGen C0023786, MONDO:0001586.
Hurler syndrome. Also called: Gargoylism, Hurler Syndrome; MUCOPOLYSACCHARIDOSIS TYPE IH; Severe MPS I (Hurler Syndrome). Identifiers: Orphanet 93473, MedGen C0086795, MONDO:0011758, OMIM 607014.

Allele frequency attached by ClinVar (database versions not stated): gnomAD 0.00001; TOPMed 0.00002; gnomAD exomes below 0.00001.
gnomAD v4.1: 4 of 1,423,444 alleles (0.00028%); highest among the groups gnomAD compares: Admixed American, 0.0028%; no homozygotes.

Submissions (10):

ClinGen Lysosomal Storage Disorder Variant Curation Expert Panel
Classification: Likely pathogenic for Mucopolysaccharidosis type 1. Last evaluated: 2025-05-19. Review status: reviewed by expert panel. Criteria: ClinGen LSD ACMG Specifications IDUA V1.0.0. Collection method: curation. Allele origin: germline. Inheritance: Autosomal recessive inheritance.
Comment: The NM_000203.5:c.53T>C variant in IDUA is a missense variant predicted to cause substitution of Leucine by Proline at amino acid 18 (p.Leu18Pro). This variant has been detected in at least 10 individuals with MPS I. This variant has been detected in at least 10 individuals with MPS I. Of those individuals, three were homozygous for the variant (PMID 25256405, max 2 x 0.5 = 1 point). Four of the remaining individuals are compound heterozygous for this variant and a second variant that has been classified as pathogenic or likely pathogenic for MPS I by the ClinGen Lysosomal Diseases VCEP including c.1205G>A p.(Trp402Ter) (ClinVar Variation ID: 11908) (PMID 31194252, at least one patient, phase not confirmed, 0.5 point), c.208C>T p.(Gln70Ter) (ClinVar Variation ID: 11909) (PMID 31194252, 255574391 2 patients, phase not confirmed, 2 x 0.5 point), and c.1487C>G p.(Pro496Arg) (PMID 31194252, 1 patient, phase not confirmed, 0.25 point). Two patients are compound heterozygous for the variant and c.1163C>A, p.(Thr388Lys), however the allelic data for these patients will be used to support the classification of Thr388Lys and is not included here in order to avoid circular logic (2.75 points, PM3_strong). One patient with this variant present in the homozygous state has been reported with a clinical diagnosis of attenuated MPS1, presenting with reduced IDUA enzyme activity (0.73 nmol/h/mg, reference range 32-56) and increased GAG excretion in urine (188ug GAGs/g creatinine, age-related reference 67-124). The highest population minor allele frequency in gnomAD v4.1.0 is 0.00002779 (1/35,980 alleles) in the Admixed American population, which is lower than the ClinGen Lysosomal Diseases VCEP’s threshold for PM2_Supporting (<0.00025), meeting this criterion (PM2_Supporting). The computational predictor REVEL gives a score of 0.319 which is neither above nor below the thresholds predicting a damaging (>0.644) or benign (<0.29) impact on IDUA function. There is a ClinVar entry for this variant (Variation ID: 193062). In summary, this variant meets the criteria to be classified as likely pathogenic for MPS I based on the IDUA-specific ACMG/AMP criteria applied, as specified by the ClinGen Lysosomal Diseases Variant Curation Expert Panel (specifications Version 1.0.0): PM3_strong, PP4_moderate, PM2_supporting. (Classification approved by the ClinGen Lysosomal Diseases Variant Curation Expert Panel on May 19, 2025).

Labcorp Genetics (formerly Invitae), Labcorp
Classification: Pathogenic for Mucopolysaccharidosis type 1. Last evaluated: 2025-10-29. Review status: criteria provided, single submitter. Criteria: Invitae Variant Classification Sherloc (09022015). Collection method: clinical testing. Allele origin: germline. Not counted in ClinVar's aggregate classification.
Comment: This sequence change replaces leucine, which is neutral and non-polar, with proline, which is neutral and non-polar, at codon 18 of the IDUA protein (p.Leu18Pro). This variant is not present in population databases (gnomAD no frequency). This missense change has been observed in individual(s) with mucopolysaccharidosis type I (PMID: 25256405, 25557439, 31194252). ClinVar contains an entry for this variant (Variation ID: 193062). Invitae Evidence Modeling of protein sequence and biophysical properties (such as structural, functional, and spatial information, amino acid conservation, physicochemical variation, residue mobility, and thermodynamic stability) has been performed for this missense variant. However, the output from this modeling did not meet the statistical confidence thresholds required to predict the impact of this variant on IDUA protein function. For these reasons, this variant has been classified as Pathogenic.

Natera, Inc.
Classification: Likely pathogenic for Mucopolysaccharidosis type I. Last evaluated: 2025-09-02. Review status: criteria provided, single submitter. Criteria: Natera Variant Classification Schema (03/2026). Collection method: clinical testing. Allele origin: germline. Not counted in ClinVar's aggregate classification.
Comment: The c.53T>C variant in IDUA is a missense variant predicted to cause substitution of leucine to proline at amino acid 18. This variant is rare in the general population with a frequency below the threshold expected for the associated phenotype(s). This variant has been observed in one or more individuals affected with the associated recessive disease, as either homozygous or compound heterozygous with a second variant (PMID: 25256405, 31194252). Additionally, this variant has been observed to segregate in affected family members (PMID: 25256405). Computational prediction algorithms indicate this variant is likely to affect gene or protein function. Given the available evidence, this variant is classified as Likely Pathogenic.

Revvity Omics, Revvity
Classification: Likely pathogenic. Last evaluated: 2024-02-20. Review status: criteria provided, single submitter. Criteria: ACMG Guidelines, 2015. Collection method: clinical testing. Allele origin: germline. Not counted in ClinVar's aggregate classification.

3billion
Classification: Pathogenic for Hurler syndrome. Last evaluated: 2023-08-07. Review status: criteria provided, single submitter. Criteria: ACMG Guidelines, 2015. Collection method: clinical testing. Allele origin: germline. Affected: yes. Not counted in ClinVar's aggregate classification.
Comment: The variant is not observed in the gnomAD v2.1.1 dataset. Predicted Consequence/Location: Missense variant Same nucleotide change resulting in same amino acid change has been previously reported as pathogenic/likely pathogenic with strong evidence (ClinVar ID: VCV000193062 /PMID: 25256405). The variant has been reported to be in trans with a pathogenic variant as either compound heterozygous or homozygous in at least 2 similarly affected unrelated individuals (PMID: 31194252, 25256405). Therefore, this variant is classified as Pathogenic according to the recommendation of ACMG/AMP guideline.

Mendelics
Classification: Pathogenic for Hurler syndrome. Last evaluated: 2023-03-11. Review status: criteria provided, single submitter. Criteria: Mendelics Assertion Criteria 2017. Collection method: clinical testing. Allele origin: unknown. Not counted in ClinVar's aggregate classification.

Broad Center for Mendelian Genomics, Broad Institute of MIT and Harvard
Classification: Likely pathogenic for Mucopolysaccharidosis type 1. Last evaluated: 2020-01-13. Review status: criteria provided, single submitter. Criteria: ACMG Guidelines, 2015. Collection method: curation. Allele origin: germline. Inheritance: Autosomal recessive inheritance. Not counted in ClinVar's aggregate classification.
Comment: The p.Leu18Pro variant in IDUA has been reported in 5 individuals with mucopolysaccharidosis, MSP (PMID: 25256405, 25557439) and was absent from large population studies and no high quality genotypes at this site were noted to include this variant. Computational prediction tools and conservation analyses do not provide strong support for or against an impact to the protein. The presence of this variant in 3 affected homozygotes and in combination with reported pathogenic variants in 2 individuals with MSP increases the likelihood that the p.Leu18Pro variant is pathogenic (VariationID: 11909, 11908; PMID: 25256405, 25557439). The phenotype of individuals homozygous for this variant is highly specific for MSP based on very low alpha-L-iduronidase activity consistent with disease (PMID: 25256405). The p.Leu18Pro variant is located in a region of IDUA that is essential to protein folding and stability, suggesting that this variant is in a functional domain and supports pathogenicity (PMID: 25256405). In summary, although additional studies are required to fully establish its clinical significance, this variant is likely pathogenic. ACMG/AMP Criteria applied: PM3_strong, PM1, PM2_supporting, PP4 (Richards 2015).

Eurofins Ntd Llc (ga)
Classification: Pathogenic. Last evaluated: 2016-12-22. Review status: criteria provided, single submitter. Criteria: EGL Classification Definitions 2015. Collection method: clinical testing. Allele origin: germline. Observed: 2 variant alleles, 2 heterozygotes. Not counted in ClinVar's aggregate classification.

Counsyl
Classification: Likely pathogenic for Hurler syndrome. Last evaluated: 2018-05-22. Review status: no assertion criteria provided. Collection method: clinical testing. Allele origin: unknown. Not counted in ClinVar's aggregate classification.

GeneDx
Classification: Uncertain significance. Last evaluated: 2020-05-13. Review status: flagged submission. Criteria: GeneDx Variant Classification Process June 2021. Collection method: clinical testing. Allele origin: germline. Affected: yes. Not counted in ClinVar's aggregate classification.
Comment: In silico analysis, which includes protein predictors and evolutionary conservation, supports that this variant does not alter protein structure/function; This variant is associated with the following publications: (PMID: 25256405, 25557439)
ClinVar note: Reason: Conflicts with expert reviewed submission without evidence to support different classification

Literature cited by the submitters: PubMed 25256405 (cited by 6 submitters); PubMed 25557439 (cited by 3 submitters); PubMed 31194252 (cited by Labcorp Genetics (formerly Invitae), Labcorp and Natera, Inc.).